The following is an entry in ClinVar:

ClinVar aggregate classification (germline): Uncertain significance. Review status: criteria provided, multiple submitters, no conflicts (2 of 4 stars). 2 submissions from 2 submitters: Uncertain significance (2). Last evaluated 2026-08-06.

Allele frequency attached by ClinVar (database versions not stated): 1000 Genomes Project 0.00020; ExAC 0.00001; gnomAD 0.00001; gnomAD exomes 0.00001; TOPMed 0.00001; 1000 Genomes Project 30x 0.00016.
gnomAD v4.1: 6 of 1,614,174 alleles (0.00037%); highest among the groups gnomAD compares: Admixed American, 0.0033%; no homozygotes.

Submissions (2):

OLLIN Analises Genomicas, OLLIN
Classification: Uncertain significance. Last evaluated: 2026-08-06. Review status: criteria provided, single submitter. Criteria: ACMG Guidelines 2015 PMID 25741868. Collection method: clinical testing. Allele origin: germline.
Comment: This missense variant, located in exon 8 (of 14), has been reported in ClinVar (accession VCV001384481.3) and in gnomAD with an allele frequency of 0.00037%. However, to our knowledge, it has not been reported in the scientific literature. In silico analysis predicts that this variant has a tolerated effect. According to the currently available evidence, this variant has been classified as uncertain significance (PM2_P, BP4).

Labcorp Genetics (formerly Invitae), Labcorp
Classification: Uncertain significance. Last evaluated: 2022-10-13. Review status: criteria provided, single submitter. Criteria: Invitae Variant Classification Sherloc (09022015). Collection method: clinical testing. Allele origin: germline.
Comment: This sequence change replaces isoleucine, which is neutral and non-polar, with leucine, which is neutral and non-polar, at codon 178 of the ASAH1 protein (p.Ile178Leu). This variant is present in population databases (rs566970608, gnomAD 0.003%). This variant has not been reported in the literature in individuals affected with ASAH1-related conditions. ClinVar contains an entry for this variant (Variation ID: 1384481). Algorithms developed to predict the effect of missense changes on protein structure and function (SIFT, PolyPhen-2, Align-GVGD) all suggest that this variant is likely to be tolerated. In summary, the available evidence is currently insufficient to determine the role of this variant in disease. Therefore, it has been classified as a Variant of Uncertain Significance.

NM_177924.5(ASAH1):c.532A>T (p.Ile178Leu)

Gene: ASAH1 (N-acylsphingosine amidohydrolase 1; minus strand). Cytogenetic location: 8p22.
Variant type: single nucleotide variant.
Coding change: c.532A>T on transcript NM_177924.5 (MANE Select); coding-DNA position 532, A replaced by T.
Protein change: p.Ile178Leu; replaces isoleucine 178 with leucine.
Molecular consequence: missense variant.
Genome position (GRCh38, 1-based): chr8:18,062,395, T>A on the plus strand (A>T on the coding strand, the complement: ASAH1 is on the minus strand). VCF-style: chr8-18062395-T-A. GRCh37 (hg19) VCF-style: chr8-17919904-T-A.
Other names: c.514A>T, p.Ile172Leu (NM_001127505.3); c.337A>T, p.Ile113Leu (NM_001363743.2); c.580A>T, p.Ile194Leu (NM_004315.6); short protein forms I194L, I113L, I172L, I178L.
Identifiers: ClinVar variation 1384481 (VCV001384481.4), dbSNP rs566970608, ClinGen allele CA4650790.
Genomic context (GRCh38, chr8:18,062,395, plus strand): 5'-CAGTTTTGTTGTTTCTTTGGAAATCCAAATTCACTGTTAAAGGTTTTAGTTGCTCAGTTA[T>A]GACCCAGGTATCATTATTTATGTTCCACCTATAAAAGACATGTTTCAGTGACATTTCAGA-3'
Protein context (NP_808592.2, residues 168-188): GWNINNDTWV[Ile178Leu]TEQLKPLTVN